The following is an entry in ClinVar:

NM_004304.5(ALK):c.4382T>C (p.Ile1461Thr)

Gene: ALK (ALK receptor tyrosine kinase; minus strand). Cytogenetic location: 2p23.2.
Variant type: single nucleotide variant.
Coding change: c.4382T>C on transcript NM_004304.5 (MANE Select); coding-DNA position 4382, T replaced by C.
Protein change: p.Ile1461Thr; replaces isoleucine 1461 with threonine.
Molecular consequence: missense variant.
Genome position (GRCh38, 1-based): chr2:29,193,705, A>G on the plus strand (T>C on the coding strand, the complement: ALK is on the minus strand). VCF-style: chr2-29193705-A-G. GRCh37 (hg19) VCF-style: chr2-29416571-A-G.
Other names: c.1178T>C, p.Ile393Thr (NM_001353765.2); short protein forms I393T, I1461T.
Identifiers: ClinVar variation 3524535 (VCV003524535.1).

ClinVar aggregate classification (germline): Uncertain significance (1 of 4 stars; one submission).

Conditions:
Hereditary cancer-predisposing syndrome. Also called: Hereditary Cancer Syndrome; Hereditary neoplastic syndrome; Tumor predisposition; Neoplastic Syndromes, Hereditary. Identifiers: Orphanet 140162, MedGen C0027672, MeSH D009386, MONDO:0015356.

Submission:

Ambry Genetics
Classification: Uncertain significance for Hereditary cancer-predisposing syndrome. Last evaluated: 2024-09-01. Review status: criteria provided, single submitter. Criteria: Ambry Variant Classification Scheme 2023. Collection method: clinical testing. Allele origin: germline.
Comment: The p.I1461T variant (also known as c.4382T>C), located in coding exon 29 of the ALK gene, results from a T to C substitution at nucleotide position 4382. The isoleucine at codon 1461 is replaced by threonine, an amino acid with similar properties. This amino acid position is conserved. In addition, this alteration is predicted to be tolerated by in silico analysis. Based on the available evidence, the clinical significance of this variant remains unclear.